The following is an entry in ClinVar:

ClinVar aggregate classification (germline): Conflicting classifications of pathogenicity. Review status: criteria provided, conflicting classifications (1 of 4 stars). 8 submissions from 7 submitters: Uncertain significance (1); Benign (6); Likely benign (1). Last evaluated 2026-09-01.

Conditions:
Usher syndrome type 2D. Also called: USHER SYNDROME, TYPE IID. Identifiers: Orphanet 231178, Orphanet 886, MedGen C1568249, MONDO:0012662, OMIM 611383.
Autosomal recessive nonsyndromic hearing loss 31. Also called: WHIRLER, MOUSE, HOMOLOG OF. Identifiers: Orphanet 90636, MedGen C1846839, MONDO:0011767, OMIM 607084.

Allele frequency attached by ClinVar (database versions not stated): ExAC 0.00783; gnomAD 0.00654 and 0.00613; 1000 Genomes Project 0.00699; 1000 Genomes Project 30x 0.00671; ESP Exome Variant Server 0.00792; TOPMed 0.00620; gnomAD exomes 0.00742.
gnomAD v4.1: 15,113 of 1,611,512 alleles (0.94%); highest among the groups gnomAD compares: South Asian, 1.4%; 108 homozygotes.

Submissions (8):

CeGaT Center for Human Genetics Tuebingen
Classification: Benign. Last evaluated: 2026-09-01. Review status: criteria provided, single submitter. Criteria: CeGaT Center For Human Genetics Tuebingen Variant Classification Criteria Version 2. Collection method: clinical testing. Allele origin: germline. Affected: yes. Observed: 13 variant alleles.
Comment: WHRN: BS1, BS2

Labcorp Genetics (formerly Invitae), Labcorp
Classification: Benign. Last evaluated: 2026-02-04. Review status: criteria provided, single submitter. Criteria: Invitae Variant Classification Sherloc (09022015). Collection method: clinical testing. Allele origin: germline.

Center for Pediatric Genomic Medicine, Children's Mercy Hospital and Clinics
Classification: Likely benign. Last evaluated: 2017-08-23. Review status: criteria provided, single submitter. Criteria: ACMG Guidelines, 2015. Collection method: clinical testing. Allele origin: germline.

Illumina Laboratory Services, Illumina
Classification: Uncertain significance for Autosomal recessive nonsyndromic hearing loss 31. Last evaluated: 2017-04-27. Review status: criteria provided, single submitter. Criteria: ICSL Variant Classification Criteria 13 December 2019. Collection method: clinical testing. Allele origin: germline.

Illumina Laboratory Services, Illumina
Classification: Benign for Usher syndrome type 2D. Last evaluated: 2017-04-27. Review status: criteria provided, single submitter. Criteria: ICSL Variant Classification Criteria 13 December 2019. Collection method: clinical testing. Allele origin: germline.
Comment: This variant was observed as part of a predisposition screen in an ostensibly healthy population. A literature search was performed for the gene, cDNA change, and amino acid change (where applicable). Publications were found based on this search. The evidence from the literature, in combination with allele frequency data from public databases where available, was sufficient to rule this variant out of causing disease. Therefore, this variant is classified as benign.

GeneDx
Classification: Benign. Last evaluated: 2015-03-03. Review status: criteria provided, single submitter. Criteria: GeneDx Variant Classification Process June 2021. Collection method: clinical testing. Allele origin: germline. Affected: yes.

Eurofins Ntd Llc (ga)
Classification: Benign. Last evaluated: 2014-01-17. Review status: criteria provided, single submitter. Criteria: EGL Classification Definitions 2015. Collection method: clinical testing. Allele origin: germline. Observed: 3 variant alleles, 3 heterozygotes.

Laboratory for Molecular Medicine, Mass General Brigham Personalized Medicine
Classification: Benign. Last evaluated: 2012-05-15. Review status: criteria provided, single submitter. Criteria: LMM Criteria. Collection method: clinical testing. Allele origin: germline. Observed: 40 variant alleles.
Comment: Thr77Ser in exon 1 of DFNB31: This variant has been reported in one individual w ith Usher syndrome (Aller 2010). However, it is not expected to have clinical si gnificance because the variant has been reported in 0.8% (33/4074) control chrom osomes from a broad, though clinically and racially unspecified population (rs56 204273), and in 1% (77/7014) European and 0.29% (11/3736) African American contr ol chromosomes by the NHBLI Exome Sequencing project (du/EVS). The variant has also been reported in 3/128 (2.3%) Caucasian probands t ested by our laboratory. In addition, computational analyses (PolyPhen2, SIFT, AlignGVGD) do not suggest a high likelihood of impact to the protein primarily b ased upon a lack of conservation across species including mammals. Of note, frui tfly has a serine at this position despite high nearby amino acid conservation.

Literature cited by the submitters: PubMed 20352026 (cited by Illumina Laboratory Services, Illumina and Laboratory for Molecular Medicine, Mass General Brigham Personalized Medicine).

NM_015404.4(WHRN):c.229A>T (p.Thr77Ser)

Gene: WHRN (whirlin; minus strand). Cytogenetic location: 9q32.
Variant type: single nucleotide variant.
Coding change: c.229A>T on transcript NM_015404.4 (MANE Select); coding-DNA position 229, A replaced by T.
Protein change: p.Thr77Ser; replaces threonine 77 with serine.
Molecular consequence: missense variant.
Genome position (GRCh38, 1-based): chr9:114,504,573, T>A on the plus strand (A>T on the coding strand, the complement: WHRN is on the minus strand). VCF-style: chr9-114504573-T-A. GRCh37 (hg19) VCF-style: chr9-117266853-T-A.
Other names: c.229A>T, p.Thr77Ser (NM_001173425.2); short protein forms T77S.
Identifiers: ClinVar variation 45671 (VCV000045671.49), dbSNP rs56204273, ClinGen allele CA136910.